The following is an entry in ClinVar:

ClinVar aggregate classification (germline): Uncertain significance. Review status: criteria provided, multiple submitters, no conflicts (2 of 4 stars). 2 submissions from 2 submitters: Uncertain significance (2). Last evaluated 2024-12-19.

Conditions:
Familial cold autoinflammatory syndrome 2 (FCAS2). Identifiers: Orphanet 247868, MedGen C2673198, MONDO:0012724, OMIM 611762.

Allele frequency attached by ClinVar (database versions not stated): ExAC 0.00001; gnomAD 0.00001; gnomAD exomes 0.00001 and 0.00003; TOPMed 0.00002.
gnomAD v4.1: 43 of 1,613,788 alleles (0.0027%); highest among the groups gnomAD compares: Non-Finnish European, 0.0036%; no homozygotes.

Submissions (2):

Labcorp Genetics (formerly Invitae), Labcorp
Classification: Uncertain significance for Familial cold autoinflammatory syndrome 2. Last evaluated: 2024-12-19. Review status: criteria provided, single submitter. Criteria: Invitae Variant Classification Sherloc (09022015). Collection method: clinical testing. Allele origin: germline.
Comment: This sequence change replaces threonine, which is neutral and polar, with isoleucine, which is neutral and non-polar, at codon 917 of the NLRP12 protein (p.Thr917Ile). This variant is present in population databases (rs760120881, gnomAD 0.002%). This variant has not been reported in the literature in individuals affected with NLRP12-related conditions. ClinVar contains an entry for this variant (Variation ID: 424097). An algorithm developed to predict the effect of missense changes on protein structure and function (PolyPhen-2) suggests that this variant is likely to be disruptive. In summary, the available evidence is currently insufficient to determine the role of this variant in disease. Therefore, it has been classified as a Variant of Uncertain Significance.

GeneDx
Classification: Uncertain significance. Last evaluated: 2017-03-09. Review status: criteria provided, single submitter. Criteria: GeneDx Variant Classification (06012015). Collection method: clinical testing. Allele origin: germline. Affected: yes.
Comment: The T917I variant in the NLRP12 gene has not been reported previously as a pathogenic variant, nor as a benign variant, to our knowledge. The T917I variant is not observed at a significant frequency in large population cohorts (Lek et al., 2016; 1000 Genomes Consortium et al., 2015; Exome Variant Server). The T917I variant is a non-conservative amino acid substitution, which is likely to impact secondary protein structure as these residues differ in polarity, charge, size and/or other properties. This substitution occurs at a position that is not conserved. In silico analysis is inconsistent in its predictions as to whether or not the variant is damaging to the protein structure/function. We interpret T917I as a variant of uncertain significance.

NM_144687.4(NLRP12):c.2750C>T (p.Thr917Ile)

Gene: NLRP12 (NLR family pyrin domain containing 12; minus strand). Cytogenetic location: 19q13.42.
Variant type: single nucleotide variant.
Coding change: c.2750C>T on transcript NM_144687.4 (MANE Select); coding-DNA position 2750, C replaced by T.
Protein change: p.Thr917Ile; replaces threonine 917 with isoleucine.
Molecular consequence: missense variant.
Genome position (GRCh38, 1-based): chr19:53,801,233, G>A on the plus strand (C>T on the coding strand, the complement: NLRP12 is on the minus strand). VCF-style: chr19-53801233-G-A. GRCh37 (hg19) VCF-style: chr19-54304487-G-A.
Other names: c.2753C>T, p.Thr918Ile (NM_001277126.2); c.2750C>T, p.Thr917Ile (NM_001277129.1); short protein forms T917I, T918I.
Identifiers: ClinVar variation 424097 (VCV000424097.5), dbSNP rs760120881, ClinGen allele CA9638943.